The following is an entry in ClinVar:

NM_017633.3(TENT5A):c.986T>C (p.Ile329Thr)

Gene: TENT5A (terminal nucleotidyltransferase 5A; minus strand). Cytogenetic location: 6q14.1.
Variant type: single nucleotide variant.
Coding change: c.986T>C on transcript NM_017633.3 (MANE Select); coding-DNA position 986, T replaced by C.
Protein change: p.Ile329Thr; replaces isoleucine 329 with threonine.
Molecular consequence: missense variant.
Genome position (GRCh38, 1-based): chr6:81,750,038, A>G on the plus strand (T>C on the coding strand, the complement: TENT5A is on the minus strand). VCF-style: chr6-81750038-A-G. GRCh37 (hg19) VCF-style: chr6-82459755-A-G.
Other names: short protein forms I329T.
Identifiers: ClinVar variation 2003682 (VCV002003682.4), dbSNP rs2481777571, ClinGen allele CA365032660.

ClinVar aggregate classification (germline): Uncertain significance (1 of 4 stars; one submission).

Allele frequency attached by ClinVar (database versions not stated): gnomAD exomes below 0.00001.
gnomAD v4.1: 1 of 1,614,166 alleles (0.000062%); highest among the groups gnomAD compares: Non-Finnish European, 0.000085%; no homozygotes.

Submission:

Labcorp Genetics (formerly Invitae), Labcorp
Classification: Uncertain significance. Last evaluated: 2022-06-14. Review status: criteria provided, single submitter. Criteria: Invitae Variant Classification Sherloc (09022015). Collection method: clinical testing. Allele origin: germline.
Comment: In summary, the available evidence is currently insufficient to determine the role of this variant in disease. Therefore, it has been classified as a Variant of Uncertain Significance. Algorithms developed to predict the effect of missense changes on protein structure and function (SIFT, PolyPhen-2, Align-GVGD) all suggest that this variant is likely to be disruptive. This variant has not been reported in the literature in individuals affected with FAM46A-related conditions. This variant is not present in population databases (gnomAD no frequency). This sequence change replaces isoleucine, which is neutral and non-polar, with threonine, which is neutral and polar, at codon 329 of the FAM46A protein (p.Ile329Thr).